The following is an entry in ClinVar:

NM_003072.5(SMARCA4):c.1109G>A (p.Arg370His)

Gene: SMARCA4 (SWI/SNF related BAF chromatin remodeling complex subunit ATPase 4; plus strand). Cytogenetic location: 19p13.2.
Variant type: single nucleotide variant.
Coding change: c.1109G>A on transcript NM_003072.5 (MANE Select); coding-DNA position 1109, G replaced by A.
Protein change: p.Arg370His; replaces arginine 370 with histidine.
Molecular consequence: missense variant. On other transcripts: non-coding transcript variant (1).
Genome position (GRCh38, 1-based): chr19:10,987,915, G>A. VCF-style: chr19-10987915-G-A. GRCh37 (hg19) VCF-style: chr19-11098591-G-A.
Other names: c.1109G>A, p.Arg370His (NM_001128844.3, NM_001128845.2, NM_001128846.2 and 5 more transcripts); short protein forms R370H.
Identifiers: ClinVar variation 238362 (VCV000238362.16), dbSNP rs878854197, ClinGen allele CA10583728.

ClinVar aggregate classification (germline): Uncertain significance. Review status: criteria provided, multiple submitters, no conflicts (2 of 4 stars). 3 submissions from 3 submitters: Uncertain significance (3). Last evaluated 2024-12-25.

Conditions:
Hereditary cancer-predisposing syndrome. Also called: Neoplastic Syndromes, Hereditary; Hereditary neoplastic syndrome; Tumor predisposition; Hereditary Cancer Syndrome. Identifiers: Orphanet 140162, MedGen C0027672, MeSH D009386, MONDO:0015356.
Intellectual disability, autosomal dominant 16 (CSS4). Also called: COFFIN-SIRIS SYNDROME 4. Identifiers: Orphanet 1465, MedGen C3553249, MONDO:0013821, OMIM 614609.
Rhabdoid tumor predisposition syndrome 2 (RTPS2). Identifiers: Orphanet 231108, Orphanet 69077, MedGen C2750074, MONDO:0013224, OMIM 613325.

Allele frequency attached by ClinVar (database versions not stated): gnomAD exomes below 0.00001.
gnomAD v4.1: 4 of 1,612,730 alleles (0.00025%); highest among the groups gnomAD compares: Non-Finnish European, 0.00034%; no homozygotes.

Submissions (3):

Ambry Genetics
Classification: Uncertain significance for Hereditary cancer-predisposing syndrome. Last evaluated: 2024-12-25. Review status: criteria provided, single submitter. Criteria: Ambry Variant Classification Scheme 2023. Collection method: clinical testing. Allele origin: germline.
Comment: The p.R370H variant (also known as c.1109G>A), located in coding exon 5 of the SMARCA4 gene, results from a G to A substitution at nucleotide position 1109. The arginine at codon 370 is replaced by histidine, an amino acid with highly similar properties. This amino acid position is highly conserved in available vertebrate species. In addition, the in silico prediction for this alteration is inconclusive. Since supporting evidence is limited at this time, the clinical significance of this alteration remains unclear.

Labcorp Genetics (formerly Invitae), Labcorp
Classification: Uncertain significance for Rhabdoid tumor predisposition syndrome 2. Last evaluated: 2024-05-14. Review status: criteria provided, single submitter. Criteria: Invitae Variant Classification Sherloc (09022015). Collection method: clinical testing. Allele origin: germline.
Comment: This sequence change replaces arginine, which is basic and polar, with histidine, which is basic and polar, at codon 370 of the SMARCA4 protein (p.Arg370His). This variant is not present in population databases (gnomAD no frequency). This variant has not been reported in the literature in individuals affected with SMARCA4-related conditions. ClinVar contains an entry for this variant (Variation ID: 238362). Advanced modeling of protein sequence and biophysical properties (such as structural, functional, and spatial information, amino acid conservation, physicochemical variation, residue mobility, and thermodynamic stability) performed at Invitae indicates that this missense variant is expected to disrupt SMARCA4 protein function with a positive predictive value of 95%. In summary, the available evidence is currently insufficient to determine the role of this variant in disease. Therefore, it has been classified as a Variant of Uncertain Significance.

Genome-Nilou Lab
Classification: Uncertain significance for Intellectual disability, autosomal dominant 16. Last evaluated: 2021-07-15. Review status: criteria provided, single submitter. Criteria: ACMG Guidelines, 2015. Collection method: clinical testing. Allele origin: germline. Affected: no.